The following is an entry in ClinVar:

NM_000540.3(RYR1):c.3644T>C (p.Ile1215Thr)

Gene: RYR1 (ryanodine receptor 1; plus strand). Cytogenetic location: 19q13.2.
Variant type: single nucleotide variant.
Coding change: c.3644T>C on transcript NM_000540.3 (MANE Select); coding-DNA position 3644, T replaced by C.
Protein change: p.Ile1215Thr; replaces isoleucine 1215 with threonine.
Molecular consequence: missense variant.
Genome position (GRCh38, 1-based): chr19:38,469,392, T>C. VCF-style: chr19-38469392-T-C. GRCh37 (hg19) VCF-style: chr19-38960032-T-C.
Other names: c.3644T>C, p.Ile1215Thr (NM_001042723.2); short protein forms I1215T.
Identifiers: ClinVar variation 4756126 (VCV004756126.3).
Genomic context (GRCh38, chr19:38,469,392, plus strand): 5'-CTGGCCAGGTGGGTCATCTGAACCTGGGCCAGGACGTGAGCTCTCTGAGGTTCTTTGCCA[T>C]CTGTGGCCTCCAGGAAGGCTTCGAGCCATTTGCCATCAACATGCAGCGCCCAGTCACCAC-3'
Protein context (NP_000531.2, residues 1205-1225): QDVSSLRFFA[Ile1215Thr]CGLQEGFEPF

ClinVar aggregate classification (germline): Uncertain significance. Review status: criteria provided, multiple submitters, no conflicts (2 of 4 stars). 3 submissions from 3 submitters: Uncertain significance (3). Last evaluated 2026-07-06.

Conditions:
Malignant hyperthermia, susceptibility to, 1 (MHS1). Also called: Anesthesia related hyperthermia; Malignant hyperpyrexia; Fulminating hyperpyrexia; Pharmacogenic myopathy; RYR1-Related Malignant Hyperthermia Susceptibility; Malignant hyperthermia suceptibility 1. Identifiers: Orphanet 423, MedGen C2930980, MONDO:0007783, OMIM 145600.
Inborn genetic diseases. Identifiers: MedGen C0950123, MeSH D030342.
RYR1-related disorder. Also called: RYR1-related condition; RYR1-related disorders. Identifiers: MedGen CN239331.

gnomAD v4.1: 2 of 1,614,112 alleles (0.00012%); highest among the groups gnomAD compares: Non-Finnish European, 0.00017%; no homozygotes.

Submissions (3):

Ambry Genetics
Classification: Uncertain significance for Inborn genetic diseases. Last evaluated: 2026-07-06. Review status: criteria provided, single submitter. Criteria: Ambry Variant Classification Scheme 2023. Collection method: clinical testing. Allele origin: germline.
Comment: The p.I1215T variant (also known as c.3644T>C), located in coding exon 27 of the RYR1 gene, results from a T to C substitution at nucleotide position 3644. The isoleucine at codon 1215 is replaced by threonine, an amino acid with similar properties. This amino acid position is conserved. In addition, the in silico prediction for this alteration is inconclusive. Based on the available evidence, the clinical significance of this variant remains unclear.

Labcorp Genetics (formerly Invitae), Labcorp
Classification: Uncertain significance for RYR1-related disorder. Last evaluated: 2025-05-26. Review status: criteria provided, single submitter. Criteria: Invitae Variant Classification Sherloc (09022015). Collection method: clinical testing. Allele origin: germline.
Comment: This sequence change replaces isoleucine, which is neutral and non-polar, with threonine, which is neutral and polar, at codon 1215 of the RYR1 protein (p.Ile1215Thr). This variant is present in population databases (rs141518670, gnomAD 0.002%). This variant has not been reported in the literature in individuals affected with RYR1-related conditions. Invitae Evidence Modeling of protein sequence and biophysical properties (such as structural, functional, and spatial information, amino acid conservation, physicochemical variation, residue mobility, and thermodynamic stability) has been performed for this missense variant. However, the output from this modeling did not meet the statistical confidence thresholds required to predict the impact of this variant on RYR1 protein function. In summary, the available evidence is currently insufficient to determine the role of this variant in disease. Therefore, it has been classified as a Variant of Uncertain Significance.

Color Diagnostics, LLC DBA Color Health
Classification: Uncertain significance for Malignant hyperthermia, susceptibility to, 1. Last evaluated: 2024-03-21. Review status: criteria provided, single submitter. Criteria: ACMG Guidelines, 2015. Collection method: clinical testing. Allele origin: germline.
Comment: This missense variant replaces isoleucine with threonine at codon 1215 of the RYR1 protein. Computational prediction is inconclusive regarding the impact of this variant on protein structure and function. To our knowledge, functional studies have not been reported for this variant. This variant has not been reported in individuals affected with malignant hyperthermia susceptibility in the literature. This variant has been identified in 2/251440 chromosomes in the general population by the Genome Aggregation Database (gnomAD). The available evidence is insufficient to determine the role of this variant in disease conclusively. Therefore, this variant is classified as a Variant of Uncertain Significance.